The following is an entry in ClinVar:

ClinVar aggregate classification (germline): Conflicting classifications of pathogenicity. Review status: criteria provided, conflicting classifications (1 of 4 stars). 2 submissions from 2 submitters: Uncertain significance (1); Likely benign (1). Last evaluated 2025-10-17.

Conditions:
Cardiovascular phenotype. Identifiers: MedGen CN230736.
Dilated cardiomyopathy 1AA (CMD1AA). Also called: Cardiomyopathy, dilated, 1AA, with or without LVNC; CARDIOMYOPATHY, DILATED, 1AA, WITH OR WITHOUT LEFT VENTRICULAR NONCOMPACTION; CARDIOMYOPATHY, FAMILIAL HYPERTROPHIC, 23, WITH OR WITHOUT LEFT VENTRICULAR NONCOMPACTION. Identifiers: Orphanet 154, MedGen C2677338, MONDO:0012808, OMIM 612158.
Primary familial hypertrophic cardiomyopathy (HCM). Identifiers: Orphanet 99739, MedGen C0949658, MeSH D024741, MONDO:0024573. Inheritance: Various modes of inheritance.

Allele frequency attached by ClinVar (database versions not stated): ExAC 0.00001; gnomAD exomes 0.00001.
gnomAD v4.1: 11 of 1,613,976 alleles (0.00068%); highest among the groups gnomAD compares: Admixed American, 0.0067%; no homozygotes.

Submissions (2):

Labcorp Genetics (formerly Invitae), Labcorp
Classification: Likely benign for Primary familial hypertrophic cardiomyopathy; Dilated cardiomyopathy 1AA. Last evaluated: 2025-10-17. Review status: criteria provided, single submitter. Criteria: Invitae Variant Classification Sherloc (09022015). Collection method: clinical testing. Allele origin: germline.

Ambry Genetics
Classification: Uncertain significance for Cardiovascular phenotype. Last evaluated: 2023-06-28. Review status: criteria provided, single submitter. Criteria: Ambry Variant Classification Scheme 2023. Collection method: clinical testing. Allele origin: germline.
Comment: The p.M657L variant (also known as c.1969A>T), located in coding exon 16 of the ACTN2 gene, results from an A to T substitution at nucleotide position 1969. The methionine at codon 657 is replaced by leucine, an amino acid with highly similar properties. This amino acid position is highly conserved in available vertebrate species. In addition, the in silico prediction for this alteration is inconclusive. Since supporting evidence is limited at this time, the clinical significance of this alteration remains unclear.

NM_001103.4(ACTN2):c.1969A>T (p.Met657Leu)

Gene: ACTN2 (actinin alpha 2; plus strand). Cytogenetic location: 1q43.
Variant type: single nucleotide variant.
Coding change: c.1969A>T on transcript NM_001103.4 (MANE Select); coding-DNA position 1969, A replaced by T.
Protein change: p.Met657Leu; replaces methionine 657 with leucine.
Molecular consequence: missense variant.
Genome position (GRCh38, 1-based): chr1:236,754,076, A>T. VCF-style: chr1-236754076-A-T. GRCh37 (hg19) VCF-style: chr1-236917376-A-T.
Other names: c.1969A>T, p.Met657Leu (NM_001278343.2); c.1345A>T, p.Met449Leu (NM_001278344.2); c.1219A>T, p.Met407Leu (NM_001412150.1); short protein forms M407L, M449L, M657L.
Identifiers: ClinVar variation 1783562 (VCV001783562.8), dbSNP rs754150704, ClinGen allele CA1473292.
Genomic context (GRCh38, chr1:236,754,076, plus strand): 5'-CGTCTGAGGCGCCAGTTTGCTGCCCAAGCCAATGCCATTGGGCCCTGGATCCAGAACAAG[A>T]TGGAGGTAAGCCAGCGCCCTCCCAGGCGCTGTTCACAAGCCTTGCGATAAGTCCCTTTAG-3'
Protein context (NP_001094.1, residues 647-667): NAIGPWIQNK[Met657Leu]EEIARSSIQI